The following is an entry in ClinVar:

ClinVar aggregate classification (germline): Uncertain significance. Review status: criteria provided, multiple submitters, no conflicts (2 of 4 stars). 2 submissions from 2 submitters: Uncertain significance (2). Last evaluated 2024-06-14.

Conditions:
Cardiovascular phenotype. Identifiers: MedGen CN230736.
Dilated cardiomyopathy 1DD (CMD1DD). Identifiers: Orphanet 154, MedGen C2750995, MONDO:0013168, OMIM 613172.

Allele frequency attached by ClinVar (database versions not stated): gnomAD exomes below 0.00001.
gnomAD v4.1: 1 of 1,551,156 alleles (0.000064%); highest among the groups gnomAD compares: Non-Finnish European, 0.000087%; no homozygotes.

Submissions (2):

Ambry Genetics
Classification: Uncertain significance for Cardiovascular phenotype. Last evaluated: 2024-06-14. Review status: criteria provided, single submitter. Criteria: Ambry Variant Classification Scheme 2023. Collection method: clinical testing. Allele origin: germline.
Comment: The p.R1188S variant (also known as c.3564G>C), located in coding exon 13 of the RBM20 gene, results from a G to C substitution at nucleotide position 3564. The arginine at codon 1188 is replaced by serine, an amino acid with dissimilar properties. This amino acid position is well conserved in available vertebrate species. In addition, the in silico prediction for this alteration is inconclusive. Since supporting evidence is limited at this time, the clinical significance of this alteration remains unclear.

Labcorp Genetics (formerly Invitae), Labcorp
Classification: Uncertain significance for Dilated cardiomyopathy 1DD. Last evaluated: 2022-03-09. Review status: criteria provided, single submitter. Criteria: Invitae Variant Classification Sherloc (09022015). Collection method: clinical testing. Allele origin: germline.
Comment: This sequence change replaces arginine, which is basic and polar, with serine, which is neutral and polar, at codon 1188 of the RBM20 protein (p.Arg1188Ser). This variant is not present in population databases (gnomAD no frequency). In summary, the available evidence is currently insufficient to determine the role of this variant in disease. Therefore, it has been classified as a Variant of Uncertain Significance. Advanced modeling of protein sequence and biophysical properties (such as structural, functional, and spatial information, amino acid conservation, physicochemical variation, residue mobility, and thermodynamic stability) performed at Invitae indicates that this missense variant is not expected to disrupt RBM20 protein function. ClinVar contains an entry for this variant (Variation ID: 411660). This variant has not been reported in the literature in individuals affected with RBM20-related conditions.

NM_001134363.3(RBM20):c.3564G>C (p.Arg1188Ser)

Gene: RBM20 (RNA binding motif protein 20; plus strand). Cytogenetic location: 10q25.2.
Variant type: single nucleotide variant.
Coding change: c.3564G>C on transcript NM_001134363.3 (MANE Select); coding-DNA position 3564, G replaced by C.
Protein change: p.Arg1188Ser; replaces arginine 1188 with serine.
Molecular consequence: missense variant.
Genome position (GRCh38, 1-based): chr10:110,831,173, G>C. VCF-style: chr10-110831173-G-C. GRCh37 (hg19) VCF-style: chr10-112590931-G-C.
Other names: short protein forms R1188S.
Identifiers: ClinVar variation 411660 (VCV000411660.14), dbSNP rs1060503416, ClinGen allele CA16612733.
Genomic context (GRCh38, chr10:110,831,173, plus strand): 5'-GTTCTACACGAGCGAGGAGACAGCAAAGATGAGCCACTGCCGCAGCGCTGTCCACTACAG[G>C]AACTTACAGGTAAAAATCCACTCTCCTTGCCCAGCATGCCAGGGGCTCCCCAGTCTCCAT-3'
Protein context (NP_001127835.2, residues 1178-1198): MSHCRSAVHY[Arg1188Ser]NLQKYLSQLA